The following is an entry in ClinVar:

ClinVar aggregate classification (germline): Uncertain significance (1 of 4 stars; one submission).

Submission:

Labcorp Genetics (formerly Invitae), Labcorp
Classification: Uncertain significance. Last evaluated: 2024-07-25. Review status: criteria provided, single submitter. Criteria: Invitae Variant Classification Sherloc (09022015). Collection method: clinical testing. Allele origin: germline.
Comment: This sequence change falls in intron 3 of the OPN1SW gene. It does not directly change the encoded amino acid sequence of the OPN1SW protein. It affects a nucleotide within the consensus splice site. This variant is present in population databases (rs752249368, gnomAD 0.02%). This variant has not been reported in the literature in individuals affected with OPN1SW-related conditions. ClinVar contains an entry for this variant (Variation ID: 1346515). Variants that disrupt the consensus splice site are a relatively common cause of aberrant splicing (PMID: 17576681, 9536098). In summary, the available evidence is currently insufficient to determine the role of this variant in disease. Therefore, it has been classified as a Variant of Uncertain Significance.

Literature cited by the submitters: PubMed 17576681; PubMed 9536098.

NM_001385125.1(OPN1SW):c.677_678+7dup

Gene: OPN1SW (opsin 1, short wave sensitive; minus strand). Cytogenetic location: 7q32.1.
Variant type: Duplication.
Coding change: c.677_678+7dup on transcript NM_001385125.1 (MANE Select); coding-DNA position 677 through 7 bases into the intron after coding-DNA position 678, 9 bases duplicated (CTGTGAGTG; older notation c.677_678+7dupCTGTGAGTG).
Molecular consequence: splice donor variant.
Genome position (GRCh38, 1-based): chr7:128,774,491-128,774,499, CACTCACAG duplicated on the plus strand (CTGTGAGTG on the coding strand, the reverse complement: OPN1SW is on the minus strand); duplicating any 9 consecutive bases within chr7:128,774,491-128,774,500 gives the same sequence; the c. name uses the placement nearest the transcript's 3' end. VCF-style (leftmost placement, unchanged base first): chr7-128774490-C-CCACTCACAG. GRCh37 (hg19) VCF-style: chr7-128414544-C-CCACTCACAG.
Identifiers: ClinVar variation 1346515 (VCV001346515.8), dbSNP rs752249368, ClinGen allele CA4472883.